The following is an entry in ClinVar:

ClinVar aggregate classification (germline): Uncertain significance. Review status: criteria provided, multiple submitters, no conflicts (2 of 4 stars). 2 submissions from 2 submitters: Uncertain significance (2). Last evaluated 2026-07-01.

Conditions:
Inborn genetic diseases. Identifiers: MedGen C0950123, MeSH D030342.

gnomAD v4.1: 96 of 1,602,692 alleles (0.006%); highest among the groups gnomAD compares: Non-Finnish European, 0.0077%; no homozygotes.

Submissions (2):

CeGaT Center for Human Genetics Tuebingen
Classification: Uncertain significance. Last evaluated: 2026-07-01. Review status: criteria provided, single submitter. Criteria: CeGaT Center For Human Genetics Tuebingen Variant Classification Criteria Version 2. Collection method: clinical testing. Allele origin: germline. Affected: yes. Observed: 1 variant allele.
Comment: MSH4: PM2, PP3

Ambry Genetics
Classification: Uncertain significance for Inborn genetic diseases. Last evaluated: 2025-09-01. Review status: criteria provided, single submitter. Criteria: Ambry Variant Classification Scheme 2023. Collection method: clinical testing. Allele origin: germline.

NM_002440.4(MSH4):c.1505G>A (p.Arg502Lys)

Gene: MSH4 (mutS homolog 4; plus strand). Cytogenetic location: 1p31.1.
Variant type: single nucleotide variant.
Coding change: c.1505G>A on transcript NM_002440.4 (MANE Select); coding-DNA position 1505, G replaced by A.
Protein change: p.Arg502Lys; replaces arginine 502 with lysine.
Molecular consequence: missense variant.
Genome position (GRCh38, 1-based): chr1:75,878,283, G>A. VCF-style: chr1-75878283-G-A. GRCh37 (hg19) VCF-style: chr1-76343968-G-A.
Other names: short protein forms R502K.
Identifiers: ClinVar variation 4111130 (VCV004111130.2).